The following is an entry in ClinVar:

ClinVar aggregate classification (germline): Pathogenic. Review status: reviewed by expert panel (3 of 4 stars). 2 submissions from 2 submitters: Pathogenic (1). 1 of the submissions does not count toward it. Last evaluated 2016-10-18.

Conditions:
Breast-ovarian cancer, familial, susceptibility to, 2 (BROVCA2). Also called: BRCA2 Hereditary Breast and Ovarian Cancer. Identifiers: Orphanet 145, MedGen C2675520, MONDO:0012933, OMIM 612555. Disease mechanism: loss of function.

Submissions (2):

Evidence-based Network for the Interpretation of Germline Mutant Alleles (ENIGMA)
Classification: Pathogenic for Breast-ovarian cancer, familial, susceptibility to, 2. Last evaluated: 2016-10-18. Review status: reviewed by expert panel. Criteria: ENIGMA BRCA1/2 Classification Criteria (2015). Collection method: curation. Allele origin: germline.
Comment: Variant allele predicted to encode a truncated non-functional protein.

Consortium of Investigators of Modifiers of BRCA1/2 (CIMBA), c/o University of Cambridge
Classification: Pathogenic for Breast-ovarian cancer, familial, susceptibility to, 2. Last evaluated: 2015-10-02. Review status: criteria provided, single submitter. Criteria: CIMBA Mutation Classification guidelines May 2016. Collection method: clinical testing. Allele origin: germline. Not counted in ClinVar's aggregate classification.

NM_000059.4(BRCA2):c.4766del (p.Pro1589fs)

Gene: BRCA2 (BRCA2 DNA repair associated; plus strand). Cytogenetic location: 13q13.1.
Variant type: Deletion.
Coding change: c.4766del on transcript NM_000059.4 (MANE Select); coding-DNA position 4766, one base deleted (C; older notation c.4766delC).
Protein change: p.Pro1589fs; shifts the reading frame from proline 1589.
Molecular consequence: frameshift variant.
Genome position (GRCh38, 1-based): chr13:32,339,121, C deleted; the last of 4 consecutive C bases (chr13:32,339,118-32,339,121); deleting any one gives the same sequence. VCF-style (leftmost placement, unchanged base first): chr13-32339117-GC-G. GRCh37 (hg19) VCF-style: chr13-32913254-GC-G.
Other names: 4994delC; c.4766delC (NM_000059.3).
Identifiers: ClinVar variation 51713 (VCV000051713.7), dbSNP rs397507741, ClinGen allele CA020807.